The following is an entry in ClinVar:

NM_014918.5(CHSY1):c.110C>T (p.Ala37Val)

Genes: CHSY1 (chondroitin sulfate synthase 1; minus strand), LOC130058068 (ATAC-STARR-seq lymphoblastoid silent region 6885; plus strand). Cytogenetic location: 15q26.3.
Variant type: single nucleotide variant.
Coding change: c.110C>T on transcript NM_014918.5 (MANE Select); coding-DNA position 110, C replaced by T.
Protein change: p.Ala37Val; replaces alanine 37 with valine.
Molecular consequence: missense variant.
Genome position (GRCh38, 1-based): chr15:101,251,347, G>A on the plus strand (C>T on the coding strand, the complement: CHSY1 is on the minus strand). VCF-style: chr15-101251347-G-A. GRCh37 (hg19) VCF-style: chr15-101791552-G-A.
Other names: short protein forms A37V.
Identifiers: ClinVar variation 3705693 (VCV003705693.2).

ClinVar aggregate classification (germline): Uncertain significance (1 of 4 stars; one submission).

Conditions:
Temtamy preaxial brachydactyly syndrome (TPBS). Identifiers: Orphanet 363417, MedGen C1854466, MONDO:0011533, OMIM 605282.

gnomAD v4.1: 8 of 1,142,074 alleles (0.0007%); highest among the groups gnomAD compares: Middle Eastern, 0.039%; no homozygotes.

Submission:

Labcorp Genetics (formerly Invitae), Labcorp
Classification: Uncertain significance for Temtamy preaxial brachydactyly syndrome. Last evaluated: 2024-11-10. Review status: criteria provided, single submitter. Criteria: Invitae Variant Classification Sherloc (09022015). Collection method: clinical testing. Allele origin: germline.
Comment: This sequence change replaces alanine, which is neutral and non-polar, with valine, which is neutral and non-polar, at codon 37 of the CHSY1 protein (p.Ala37Val). The frequency data for this variant in the population databases is considered unreliable, as metrics indicate poor data quality at this position in the gnomAD database. This variant has not been reported in the literature in individuals affected with CHSY1-related conditions. Invitae Evidence Modeling of protein sequence and biophysical properties (such as structural, functional, and spatial information, amino acid conservation, physicochemical variation, residue mobility, and thermodynamic stability) indicates that this missense variant is not expected to disrupt CHSY1 protein function with a negative predictive value of 80%. In summary, the available evidence is currently insufficient to determine the role of this variant in disease. Therefore, it has been classified as a Variant of Uncertain Significance.